The following is an entry in ClinVar:

NM_006767.4(LZTR1):c.125C>T (p.Thr42Met)

Gene: LZTR1 (leucine zipper like post translational regulator 1; plus strand). Cytogenetic location: 22q11.21.
Variant type: single nucleotide variant.
Coding change: c.125C>T on transcript NM_006767.4 (MANE Select); coding-DNA position 125, C replaced by T.
Protein change: p.Thr42Met; replaces threonine 42 with methionine.
Molecular consequence: missense variant.
Genome position (GRCh38, 1-based): chr22:20,982,496, C>T. VCF-style: chr22-20982496-C-T. GRCh37 (hg19) VCF-style: chr22-21336785-C-T.
Other names: short protein forms T42M.
Identifiers: ClinVar variation 3617863 (VCV003617863.2).

ClinVar aggregate classification (germline): Uncertain significance (1 of 4 stars; one submission).

Submission:

Labcorp Genetics (formerly Invitae), Labcorp
Classification: Uncertain significance. Last evaluated: 2024-02-22. Review status: criteria provided, single submitter. Criteria: Invitae Variant Classification Sherloc (09022015). Collection method: clinical testing. Allele origin: germline.
Comment: This sequence change replaces threonine, which is neutral and polar, with methionine, which is neutral and non-polar, at codon 42 of the LZTR1 protein (p.Thr42Met). This variant is not present in population databases (gnomAD no frequency). This variant has not been reported in the literature in individuals affected with LZTR1-related conditions. Advanced modeling of protein sequence and biophysical properties (such as structural, functional, and spatial information, amino acid conservation, physicochemical variation, residue mobility, and thermodynamic stability) performed at Invitae indicates that this missense variant is not expected to disrupt LZTR1 protein function with a negative predictive value of 80%. In summary, the available evidence is currently insufficient to determine the role of this variant in disease. Therefore, it has been classified as a Variant of Uncertain Significance.